The following is an entry in ClinVar:

ClinVar aggregate classification (germline): Likely benign. Review status: criteria provided, multiple submitters, no conflicts (2 of 4 stars). 2 submissions from 2 submitters: Likely benign (2). Last evaluated 2026-04-21.

Conditions:
LAMA1-related disorder. Also called: LAMA1-related disorders; LAMA1-related condition.

Allele frequency attached by ClinVar (database versions not stated): TOPMed 0.00003; gnomAD 0.00005; gnomAD exomes 0.00005; ExAC 0.00007.
gnomAD v4.1: 85 of 1,613,984 alleles (0.0053%); highest among the groups gnomAD compares: South Asian, 0.059%; no homozygotes.

Submissions (2):

PreventionGenetics, part of Exact Sciences
Classification: Likely benign for LAMA1-related condition. Last evaluated: 2026-04-21. Review status: criteria provided, single submitter. Criteria: ACMG Guidelines, 2015. Collection method: clinical testing. Allele origin: germline.
Comment: This variant is classified as likely benign based on ACMG/AMP sequence variant interpretation guidelines (Richards et al. 2015 PMID: 25741868, with internal and published modifications).

Labcorp Genetics (formerly Invitae), Labcorp
Classification: Likely benign. Last evaluated: 2026-01-19. Review status: criteria provided, single submitter. Criteria: Invitae Variant Classification Sherloc (09022015). Collection method: clinical testing. Allele origin: germline.

NM_005559.4(LAMA1):c.9105G>A (p.Ser3035=)

Gene: LAMA1 (laminin subunit alpha 1; minus strand). Cytogenetic location: 18p11.31.
Variant type: single nucleotide variant.
Coding change: c.9105G>A on transcript NM_005559.4 (MANE Select); coding-DNA position 9105, G replaced by A.
Protein change: p.Ser3035=; no amino-acid change (serine 3035 retained).
Molecular consequence: synonymous variant.
Genome position (GRCh38, 1-based): chr18:6,942,202, C>T on the plus strand (G>A on the coding strand, the complement: LAMA1 is on the minus strand). VCF-style: chr18-6942202-C-T. GRCh37 (hg19) VCF-style: chr18-6942201-C-T.
Other names: c.9105G>A (NM_005559.3).
Identifiers: ClinVar variation 2186671 (VCV002186671.5), dbSNP rs757140298, ClinGen allele CA8880244.